The following is an entry in ClinVar:

NR_024627.1(KCNQ1DN):n.890G>A

Gene: KCNQ1DN (KCNQ1 downstream neighbor; plus strand). Cytogenetic location: 11p15.4.
Variant type: single nucleotide variant.
Molecular consequence: non-coding transcript variant (on NR_024627.1).
Genome position: GRCh38 VCF-style: chr11-2871902-G-A. GRCh37 (hg19) VCF-style: chr11-2893132-G-A.
Identifiers: ClinVar variation 2641503 (VCV002641503.24), dbSNP rs181024796, ClinGen allele CA216362443.

ClinVar aggregate classification (germline): Benign (1 of 4 stars; one submission).

Allele frequency attached by ClinVar (database versions not stated): 1000 Genomes Project 30x 0.00297; 1000 Genomes Project 0.00339; ESP Exome Variant Server 0.00920; gnomAD exomes 0.01324.

Submission:

CeGaT Center for Human Genetics Tuebingen
Classification: Benign. Last evaluated: 2024-07-01. Review status: criteria provided, single submitter. Criteria: CeGaT Center For Human Genetics Tuebingen Variant Classification Criteria Version 2. Collection method: clinical testing. Allele origin: germline. Affected: yes. Observed: 12 variant alleles.
Comment: KCNQ1DN: BS1, BS2